The following is an entry in ClinVar:

ClinVar aggregate classification (germline): Likely pathogenic. Review status: criteria provided, multiple submitters, no conflicts (2 of 4 stars). 2 submissions from 2 submitters: Likely pathogenic (2). Last evaluated 2025-10-28.

Conditions:
Autosomal recessive polycystic kidney disease (ARPKD). Also called: AR polycystic kidney disease. Identifiers: Orphanet 731, Orphanet 8378, MedGen C0085548, MeSH D017044, MONDO:0009889.
Polycystic kidney disease 4 (PKD4). Also called: POLYCYSTIC KIDNEY AND HEPATIC DISEASE 1; POLYCYSTIC KIDNEY DISEASE, INFANTILE, TYPE I; PKD3; POLYCYSTIC KIDNEY DISEASE 4 WITH OR WITHOUT POLYCYSTIC LIVER DISEASE; Autosomal Recessive Polycystic Kidney Disease – PKHD1. Identifiers: MedGen C4540575, MONDO:0033004, OMIM 263200.

Submissions (2):

Natera, Inc.
Classification: Likely pathogenic for Autosomal recessive polycystic kidney disease. Last evaluated: 2025-10-28. Review status: criteria provided, single submitter. Criteria: Natera Variant Classification Schema (03/2026). Collection method: clinical testing. Allele origin: germline.
Comment: The c.11770_11771dupAC variant in PKHD1 is a frameshift variant predicted to shift the reading frame beginning at codon 3925 and leads to a stop codon 7 codons downstream. This variant is expected to result in nonsense mediated decay, truncation, or a dysfunctional protein product. This variant is rare in the general population with a frequency below the threshold expected for the associated phenotype(s). Given the available evidence, this variant is classified as Likely Pathogenic.

Revvity Omics, Revvity
Classification: Likely pathogenic for Polycystic kidney disease 4. Last evaluated: 2023-06-14. Review status: criteria provided, single submitter. Criteria: ACMG Guidelines, 2015. Collection method: clinical testing. Allele origin: germline.

NM_138694.4(PKHD1):c.11770_11771dup (p.Val3925fs)

Gene: PKHD1 (PKHD1 ciliary IPT domain containing fibrocystin/polyductin; minus strand). Cytogenetic location: 6p12.3.
Variant type: Microsatellite.
Coding change: c.11770_11771dup on transcript NM_138694.4 (MANE Select); coding-DNA positions 11770 to 11771, 2 bases duplicated (AC; older notation c.11770_11771dupAC).
Protein change: p.Val3925fs; shifts the reading frame from valine 3925.
Molecular consequence: frameshift variant.
Genome position (GRCh38, 1-based): chr6:51,627,011-51,627,012, GT duplicated on the plus strand (AC on the coding strand, the reverse complement: PKHD1 is on the minus strand); duplicating any 2 consecutive bases within chr6:51,627,011-51,627,014 gives the same sequence; the c. name uses the placement nearest the transcript's 3' end. VCF-style (leftmost placement, unchanged base first): chr6-51627010-A-AGT. GRCh37 (hg19) VCF-style: chr6-51491808-A-AGT.
Other names: c.11770_11771dupAC (NM_138694.3); short protein forms V3925fs.
Identifiers: ClinVar variation 2690676 (VCV002690676.3), dbSNP rs2533015882, ClinGen allele CA2697553456.
Genomic context (GRCh38, chr6:51,627,010, plus strand): 5'-CACAGTGGGTCTCTCCTGTGGGGATCATCTCCACCCTCCAAGCTTACCTTCTCCCACCAC[A>AGT]GTGTCTTCTTTTTTGGGCCCTTGTGATTCTCGGCGTTTGGATGAGATGTGGATATGAATA-3'